The following is an entry in ClinVar:

NM_000059.4(BRCA2):c.1221G>C (p.Gln407His)

Gene: BRCA2 (BRCA2 DNA repair associated; plus strand). Cytogenetic location: 13q13.1.
Variant type: single nucleotide variant.
Coding change: c.1221G>C on transcript NM_000059.4 (MANE Select); coding-DNA position 1221, G replaced by C.
Protein change: p.Gln407His; replaces glutamine 407 with histidine.
Molecular consequence: missense variant.
Genome position (GRCh38, 1-based): chr13:32,332,699, G>C. VCF-style: chr13-32332699-G-C. GRCh37 (hg19) VCF-style: chr13-32906836-G-C.
Other names: short protein forms Q407H.
Identifiers: ClinVar variation 818626 (VCV000818626.6), dbSNP rs1555281779, ClinGen allele CA387762126.

ClinVar aggregate classification (germline): Conflicting classifications of pathogenicity. Review status: criteria provided, conflicting classifications (1 of 4 stars). 2 submissions from 2 submitters: Uncertain significance (1); Likely benign (1). Last evaluated 2023-03-23.

Conditions:
Hereditary cancer-predisposing syndrome. Also called: Tumor predisposition; Hereditary neoplastic syndrome; Neoplastic Syndromes, Hereditary; Hereditary Cancer Syndrome. Identifiers: Orphanet 140162, MedGen C0027672, MeSH D009386, MONDO:0015356.

Submissions (2):

University of Washington Department of Laboratory Medicine, University of Washington
Classification: Likely benign for Hereditary cancer-predisposing syndrome. Last evaluated: 2023-03-23. Review status: criteria provided, single submitter. Criteria: Dines et al. (Genet Med. 2020). Collection method: curation. Allele origin: germline.
Comment: Missense variant in a coldspot region where missense variants are very unlikely to be pathogenic (PMID:31911673).

BRCA2 exon 10 coldspot. Reclassification based on statistical prior probability.

Ambry Genetics
Classification: Uncertain significance for Hereditary cancer-predisposing syndrome. Last evaluated: 2018-02-26. Review status: criteria provided, single submitter. Criteria: Ambry Variant Classification Scheme 2023. Collection method: clinical testing. Allele origin: germline.
Comment: The p.Q407H variant (also known as c.1221G>C), located in coding exon 9 of the BRCA2 gene, results from a G to C substitution at nucleotide position 1221. The glutamine at codon 407 is replaced by histidine, an amino acid with highly similar properties. This amino acid position is not well conserved in available vertebrate species. In addition, this alteration is predicted to be tolerated by in silico analysis. Since supporting evidence is limited at this time, the clinical significance of this alteration remains unclear.